The following is an entry in ClinVar:

ClinVar aggregate classification (germline): Likely benign (1 of 4 stars; one submission).

Allele frequency attached by ClinVar (database versions not stated): gnomAD exomes below 0.00001; TOPMed 0.00001.
gnomAD v4.1: 3 of 1,210,249 alleles (0.00025%); highest among the groups gnomAD compares: Non-Finnish European, 0.00034%; no homozygotes.

Submission:

CeGaT Center for Human Genetics Tuebingen
Classification: Likely benign. Last evaluated: 2022-05-01. Review status: criteria provided, single submitter. Criteria: CeGaT Center For Human Genetics Tuebingen Variant Classification Criteria Version 2. Collection method: clinical testing. Allele origin: germline. Affected: yes. Observed: 1 variant allele.
Comment: PNPLA4: BP4, BP7

NM_004650.3(PNPLA4):c.231T>G (p.Ser77=)

Genes: PNPLA4 (patatin like domain 4, phospholipase and triacylglycerol lipase; minus strand), LOC126863198 (BRD4-independent group 4 enhancer GRCh37_chrX:7889540-7890739; plus strand). Cytogenetic location: Xp22.31.
Variant type: single nucleotide variant.
Coding change: c.231T>G on transcript NM_004650.3 (MANE Select); coding-DNA position 231, T replaced by G.
Protein change: p.Ser77=; no amino-acid change (serine 77 retained).
Molecular consequence: synonymous variant. On other transcripts: 5 prime UTR variant (1).
Genome position (GRCh38, 1-based): chrX:7,922,048, A>C on the plus strand (T>G on the coding strand, the complement: PNPLA4 is on the minus strand). VCF-style: chrX-7922048-A-C. GRCh37 (hg19) VCF-style: chrX-7890089-A-C.
Other names: c.231T>G, p.Ser77= (NM_001142389.2); c.-31T>G (NM_001172672.2).
Identifiers: ClinVar variation 2659922 (VCV002659922.24), dbSNP rs1263212934, ClinGen allele CA515167372.